The following is an entry in ClinVar:

ClinVar aggregate classification (germline): Likely benign (1 of 4 stars; one submission).

Allele frequency attached by ClinVar (database versions not stated): ExAC 0.00008; gnomAD 0.00011; TOPMed 0.00013; gnomAD exomes 0.00021; ESP Exome Variant Server 0.00023; 1000 Genomes Project 30x 0.00047; 1000 Genomes Project 0.00060.
gnomAD v4.1: 326 of 1,614,170 alleles (0.02%); highest among the groups gnomAD compares: Non-Finnish European, 0.026%; no homozygotes.

Submission:

CeGaT Center for Human Genetics Tuebingen
Classification: Likely benign. Last evaluated: 2023-03-01. Review status: criteria provided, single submitter. Criteria: CeGaT Center For Human Genetics Tuebingen Variant Classification Criteria Version 2. Collection method: clinical testing. Allele origin: germline. Affected: yes. Observed: 1 variant allele.
Comment: AP1B1: BP4, BP7

NM_001127.4(AP1B1):c.1233C>T (p.Ile411=)

Gene: AP1B1 (adaptor related protein complex 1 subunit beta 1; minus strand). Cytogenetic location: 22q12.2.
Variant type: single nucleotide variant.
Coding change: c.1233C>T on transcript NM_001127.4 (MANE Select); coding-DNA position 1233, C replaced by T.
Protein change: p.Ile411=; no amino-acid change (isoleucine 411 retained).
Molecular consequence: synonymous variant.
Genome position (GRCh38, 1-based): chr22:29,350,073, G>A on the plus strand (C>T on the coding strand, the complement: AP1B1 is on the minus strand). VCF-style: chr22-29350073-G-A. GRCh37 (hg19) VCF-style: chr22-29746062-G-A.
Other names: c.1233C>T, p.Ile411= (NM_001166019.2, NM_001378562.1, NM_001378563.1 and 2 more transcripts); c.1062C>T, p.Ile354= (NM_001378564.1, NM_001378565.1).
Identifiers: ClinVar variation 2653043 (VCV002653043.24), dbSNP rs140314768, ClinGen allele CA10173204.